The following is an entry in ClinVar:

ClinVar aggregate classification (germline): Uncertain significance (1 of 4 stars; one submission).

Conditions:
Hereditary cancer-predisposing syndrome. Also called: Neoplastic Syndromes, Hereditary; Tumor predisposition; Hereditary neoplastic syndrome; Hereditary Cancer Syndrome. Identifiers: Orphanet 140162, MedGen C0027672, MeSH D009386, MONDO:0015356.
Cardiovascular phenotype. Identifiers: MedGen CN230736.

Submission:

Ambry Genetics
Classification: Uncertain significance for Cardiovascular phenotype; Hereditary cancer-predisposing syndrome. Last evaluated: 2023-02-04. Review status: criteria provided, single submitter. Criteria: Ambry Variant Classification Scheme 2023. Collection method: clinical testing. Allele origin: germline.
Comment: The p.L2648I variant (also known as c.7942T>A), located in coding exon 54 of the NF1 gene, results from a T to A substitution at nucleotide position 7942. The leucine at codon 2648 is replaced by isoleucine, an amino acid with highly similar properties. This amino acid position is conserved. In addition, the in silico prediction for this alteration is inconclusive. Since supporting evidence is limited at this time, the clinical significance of this alteration remains unclear.

NM_001042492.3(NF1):c.8005T>A (p.Leu2669Ile)

Gene: NF1 (neurofibromin 1; plus strand). Cytogenetic location: 17q11.2.
Variant type: single nucleotide variant.
Coding change: c.8005T>A on transcript NM_001042492.3 (MANE Select); coding-DNA position 8005, T replaced by A.
Protein change: p.Leu2669Ile; replaces leucine 2669 with isoleucine.
Molecular consequence: missense variant.
Genome position (GRCh38, 1-based): chr17:31,358,514, T>A. VCF-style: chr17-31358514-T-A. GRCh37 (hg19) VCF-style: chr17-29685532-T-A.
Other names: c.7942T>A, p.Leu2648Ile (NM_000267.4); short protein forms L2669I, L2648I.
Identifiers: ClinVar variation 2452303 (VCV002452303.2), dbSNP rs2151584872, ClinGen allele CA399203655.